The following is an entry in ClinVar:

ClinVar aggregate classification (germline): Conflicting classifications of pathogenicity. Review status: criteria provided, conflicting classifications (1 of 4 stars). 4 submissions from 4 submitters: Likely pathogenic (1); Uncertain significance (3). Last evaluated 2025-02-01.

Conditions:
Hypertriglyceridemia 2. Identifiers: MedGen C5543398, MONDO:0859149, OMIM 619324.

Submissions (4):

CeGaT Center for Human Genetics Tuebingen
Classification: Likely pathogenic. Last evaluated: 2025-02-01. Review status: criteria provided, single submitter. Criteria: CeGaT Center For Human Genetics Tuebingen Variant Classification Criteria Version 2. Collection method: clinical testing. Allele origin: germline. Affected: yes. Observed: 1 variant allele.
Comment: CREB3L3: PVS1:Strong, PM2

Labcorp Genetics (formerly Invitae), Labcorp
Classification: Uncertain significance. Last evaluated: 2024-05-23. Review status: criteria provided, single submitter. Criteria: Invitae Variant Classification Sherloc (09022015). Collection method: clinical testing. Allele origin: germline.
Comment: This sequence change creates a premature translational stop signal (p.Arg392*) in the CREB3L3 gene. While this is not anticipated to result in nonsense mediated decay, it is expected to disrupt the last 70 amino acid(s) of the CREB3L3 protein. This variant is present in population databases (rs559298453, gnomAD 0.03%). This variant has not been reported in the literature in individuals affected with CREB3L3-related conditions. In summary, the available evidence is currently insufficient to determine the role of this variant in disease. Therefore, it has been classified as a Variant of Uncertain Significance.

Ambry Genetics
Classification: Uncertain significance. Last evaluated: 2024-04-03. Review status: criteria provided, single submitter. Criteria: Ambry Variant Classification Scheme 2023. Collection method: clinical testing. Allele origin: germline.
Comment: Does not currently meet published gene-disease clinical validity criteria Based on insufficient or conflicting evidence, the clinical significance of this alteration remains unclear.

Fulgent Genetics
Classification: Uncertain significance for Hypertriglyceridemia 2. Last evaluated: 2024-03-05. Review status: criteria provided, single submitter. Criteria: ACMG Guidelines, 2015. Collection method: clinical testing. Allele origin: germline.

Literature cited by the submitters: PubMed 28106320 (cited by Ambry Genetics).

NM_032607.3(CREB3L3):c.1174C>T (p.Arg392Ter)

Genes: CREB3L3 (cAMP responsive element binding protein 3 like 3; plus strand), LOC125371455 (Sharpr-MPRA regulatory region 11650; plus strand). Cytogenetic location: 19p13.3.
Variant type: single nucleotide variant.
Coding change: c.1174C>T on transcript NM_032607.3 (MANE Select); coding-DNA position 1174, C replaced by T.
Protein change: p.Arg392Ter; replaces arginine 392 with a stop codon.
Molecular consequence: nonsense. On other transcripts: 3 prime UTR variant (1).
Genome position (GRCh38, 1-based): chr19:4,171,757, C>T. VCF-style: chr19-4171757-C-T. GRCh37 (hg19) VCF-style: chr19-4171754-C-T.
Other names: c.1171C>T, p.Arg391Ter (NM_001271995.2); c.1168C>T, p.Arg390Ter (NM_001271996.2); c.*53C>T (NM_001271997.2); short protein forms R390*, R391*, R392*.
Identifiers: ClinVar variation 3269455 (VCV003269455.17).
Genomic context (GRCh38, chr19:4,171,757, plus strand): 5'-GCTGCTGATGCTGTGCCAGGCTCCGAGGCCCCAGGACCCCGACCCGAGGCTGACACAACC[C>T]GAGAAGAGTCTCCAGGAAGCCCCGGGGCAGACTGGGGCTTCCAGGACACCGCGAACCTGA-3'